The following is an entry in ClinVar:

ClinVar aggregate classification (germline): Pathogenic (1 of 4 stars; one submission).

Submission:

Labcorp Genetics (formerly Invitae), Labcorp
Classification: Pathogenic. Last evaluated: 2025-10-31. Review status: criteria provided, single submitter. Criteria: Invitae Variant Classification Sherloc (09022015). Collection method: clinical testing. Allele origin: germline.
Comment: This sequence change affects the initiator codon of the ARR3 mRNA. This change may impact translation initiation or efficiency. The next in-frame methionine is located at codon 52. This variant is not present in population databases (gnomAD no frequency). Disruption of the initiator codon has been observed in individual(s) with early-onset high myopia (PMID: 36180177). It has also been observed to segregate with disease in related individuals. For these reasons, this variant has been classified as Pathogenic.

Literature cited by the submitters: PubMed 36180177.

NM_004312.3(ARR3):c.1A>G (p.Met1Val)

Gene: ARR3 (arrestin 3; plus strand). Cytogenetic location: Xq13.1.
Variant type: single nucleotide variant.
Coding change: c.1A>G on transcript NM_004312.3 (MANE Select); coding-DNA position 1, A replaced by G.
Protein change: p.Met1Val; changes the start codon (methionine 1).
Molecular consequence: missense variant, initiator codon variant.
Genome position (GRCh38, 1-based): chrX:70,269,386, A>G. VCF-style: chrX-70269386-A-G. GRCh37 (hg19) VCF-style: chrX-69489236-A-G.
Other names: short protein forms M1V.
Identifiers: ClinVar variation 4730264 (VCV004730264.1).